The following is an entry in ClinVar:

NM_000038.6(APC):c.8044G>T (p.Val2682Leu)

Gene: APC (APC regulator of Wnt signaling pathway; plus strand). Cytogenetic location: 5q22.2.
Variant type: single nucleotide variant.
Coding change: c.8044G>T on transcript NM_000038.6 (MANE Select); coding-DNA position 8044, G replaced by T.
Protein change: p.Val2682Leu; replaces valine 2682 with leucine.
Molecular consequence: missense variant.
Genome position (GRCh38, 1-based): chr5:112,843,638, G>T. VCF-style: chr5-112843638-G-T. GRCh37 (hg19) VCF-style: chr5-112179335-G-T.
Other names: c.8044G>T, p.Val2682Leu (NM_001127510.3, NM_001354895.2); c.7990G>T, p.Val2664Leu (NM_001127511.3); c.8098G>T, p.Val2700Leu (NM_001354896.2); c.8074G>T, p.Val2692Leu (NM_001354897.2); c.7969G>T, p.Val2657Leu (NM_001354898.2); c.7960G>T, p.Val2654Leu (NM_001354899.2); c.7921G>T, p.Val2641Leu (NM_001354900.2); c.7867G>T, p.Val2623Leu (NM_001354901.2); and 5 more; short protein forms V2556L, V2654L, V2399L, V2522L, V2581L, V2591L, V2623L, V2657L.
Identifiers: ClinVar variation 936368 (VCV000936368.11), dbSNP rs1554088862, ClinGen allele CA16038796.

ClinVar aggregate classification (germline): Uncertain significance (1 of 4 stars; one submission).

Conditions:
Familial adenomatous polyposis 1 (FAP1). Also called: POLYPOSIS, ADENOMATOUS INTESTINAL; FAMILIAL ADENOMATOUS POLYPOSIS 1, ATTENUATED. Identifiers: MedGen C2713442, MONDO:0021056, OMIM 175100. Disease mechanism: loss of function.

Submission:

Labcorp Genetics (formerly Invitae), Labcorp
Classification: Uncertain significance for Familial adenomatous polyposis 1. Last evaluated: 2019-07-05. Review status: criteria provided, single submitter. Criteria: Invitae Variant Classification Sherloc (09022015). Collection method: clinical testing. Allele origin: germline.
Comment: This sequence change replaces valine with leucine at codon 2682 of the APC protein (p.Val2682Leu). The valine residue is highly conserved and there is a small physicochemical difference between valine and leucine. This variant is not present in population databases (ExAC no frequency). This variant has not been reported in the literature in individuals with APC-related conditions. Algorithms developed to predict the effect of missense changes on protein structure and function are either unavailable or do not agree on the potential impact of this missense change (SIFT: "Deleterious"; PolyPhen-2: "Probably Damaging"; Align-GVGD: "Class C0"). In summary, the available evidence is currently insufficient to determine the role of this variant in disease. Therefore, it has been classified as a Variant of Uncertain Significance.